The following is an entry in ClinVar:

ClinVar aggregate classification (germline): Uncertain significance. Review status: criteria provided, multiple submitters, no conflicts (2 of 4 stars). 2 submissions from 2 submitters: Uncertain significance (2). Last evaluated 2024-01-02.

Conditions:
Hereditary sensory neuropathy-deafness-dementia syndrome. Also called: HSN IE; Hereditary sensory neuropathy type IE; NEUROPATHY, HEREDITARY SENSORY, WITH HEARING LOSS AND DEMENTIA; Hereditary Sensory and Autonomic Neuropathy Type 1E (HSAN1E). Identifiers: Orphanet 456318, MedGen C3279885, MONDO:0013584, OMIM 614116.

Allele frequency attached by ClinVar (database versions not stated): TOPMed below 0.00001; ExAC 0.00001; gnomAD exomes 0.00001.
gnomAD v4.1: 10 of 1,613,786 alleles (0.00062%); highest among the groups gnomAD compares: South Asian, 0.0022%; no homozygotes.

Submissions (2):

Labcorp Genetics (formerly Invitae), Labcorp
Classification: Uncertain significance for Hereditary sensory neuropathy-deafness-dementia syndrome. Last evaluated: 2024-01-02. Review status: criteria provided, single submitter. Criteria: Invitae Variant Classification Sherloc (09022015). Collection method: clinical testing. Allele origin: germline.
Comment: This sequence change replaces arginine, which is basic and polar, with glutamine, which is neutral and polar, at codon 228 of the DNMT1 protein (p.Arg228Gln). This variant also falls at the last nucleotide of exon 8, which is part of the consensus splice site for this exon. This variant is present in population databases (rs777469378, gnomAD 0.003%). This variant has not been reported in the literature in individuals affected with DNMT1-related conditions. Algorithms developed to predict the effect of missense changes on protein structure and function output the following: SIFT: "Not Available"; PolyPhen-2: "Benign"; Align-GVGD: "Not Available". The glutamine amino acid residue is found in multiple mammalian species, which suggests that this missense change does not adversely affect protein function. Variants that disrupt the consensus splice site are a relatively common cause of aberrant splicing (PMID: 17576681, 9536098). In summary, the available evidence is currently insufficient to determine the role of this variant in disease. Therefore, it has been classified as a Variant of Uncertain Significance.

Blueprint Genetics
Classification: Uncertain significance. Last evaluated: 2018-03-20. Review status: criteria provided, single submitter. Criteria: ACMG Guidelines, 2015. Collection method: clinical testing. Allele origin: germline.

Literature cited by the submitters: PubMed 17576681 (cited by Labcorp Genetics (formerly Invitae), Labcorp); PubMed 9536098 (cited by Labcorp Genetics (formerly Invitae), Labcorp).

NM_001130823.3(DNMT1):c.683G>A (p.Arg228Gln)

Gene: DNMT1 (DNA methyltransferase 1; minus strand). Cytogenetic location: 19p13.2.
Variant type: single nucleotide variant.
Coding change: c.683G>A on transcript NM_001130823.3 (MANE Select); coding-DNA position 683, G replaced by A.
Protein change: p.Arg228Gln; replaces arginine 228 with glutamine.
Molecular consequence: missense variant.
Genome position (GRCh38, 1-based): chr19:10,173,871, C>T on the plus strand (G>A on the coding strand, the complement: DNMT1 is on the minus strand). VCF-style: chr19-10173871-C-T. GRCh37 (hg19) VCF-style: chr19-10284547-C-T.
Other names: c.635G>A, p.Arg212Gln (NM_001318730.2, NM_001379.4); c.320G>A, p.Arg107Gln (NM_001318731.2); short protein forms R107Q, R212Q, R228Q.
Identifiers: ClinVar variation 3014981 (VCV003014981.4), dbSNP rs777469378, ClinGen allele CA9188658.